The following is an entry in ClinVar:

ClinVar aggregate classification (germline): Uncertain significance (1 of 4 stars; one submission).

Submission:

GeneDx
Classification: Uncertain significance. Last evaluated: 2024-06-14. Review status: criteria provided, single submitter. Criteria: GeneDx Variant Classification Process June 2021. Collection method: clinical testing. Allele origin: germline. Affected: yes.
Comment: Not observed at significant frequency in large population cohorts (gnomAD); In silico analysis supports that this missense variant has a deleterious effect on protein structure/function; Has not been previously published as pathogenic or benign to our knowledge

NM_001291415.2(KDM6A):c.524T>C (p.Leu175Pro)

Gene: KDM6A (lysine demethylase 6A; plus strand). Cytogenetic location: Xp11.3.
Variant type: single nucleotide variant.
Coding change: c.524T>C on transcript NM_001291415.2 (MANE Select); coding-DNA position 524, T replaced by C.
Protein change: p.Leu175Pro; replaces leucine 175 with proline.
Molecular consequence: missense variant. On other transcripts: non-coding transcript variant (1), intron variant (1).
Genome position (GRCh38, 1-based): chrX:45,020,690, T>C. VCF-style: chrX-45020690-T-C. GRCh37 (hg19) VCF-style: chrX-44879935-T-C.
Other names: c.524T>C, p.Leu175Pro (NM_001291416.2, NM_001291417.2, NM_001291418.2 and 9 more transcripts); c.-190+9671T>C (NM_001291421.2); short protein forms L175P.
Identifiers: ClinVar variation 3390545 (VCV003390545.1).